The following is an entry in ClinVar:

NM_000179.3(MSH6):c.913A>T (p.Thr305Ser)

Gene: MSH6 (mutS homolog 6; plus strand). Cytogenetic location: 2p16.3.
Variant type: single nucleotide variant.
Coding change: c.913A>T on transcript NM_000179.3 (MANE Select); coding-DNA position 913, A replaced by T.
Protein change: p.Thr305Ser; replaces threonine 305 with serine.
Molecular consequence: missense variant.
Genome position (GRCh38, 1-based): chr2:47,798,896, A>T. VCF-style: chr2-47798896-A-T. GRCh37 (hg19) VCF-style: chr2-48026035-A-T.
Other names: c.523A>T, p.Thr175Ser (NM_001281492.2); c.7A>T, p.Thr3Ser (NM_001281493.2, NM_001281494.2); short protein forms T305S, T175S, T3S.
Identifiers: ClinVar variation 663267 (VCV000663267.9), dbSNP rs1572720858, ClinGen allele CA346740725.

ClinVar aggregate classification (germline): Uncertain significance (1 of 4 stars; one submission).

Conditions:
Hereditary nonpolyposis colorectal neoplasms. Identifiers: MedGen C0009405, MeSH D003123.

Submission:

Labcorp Genetics (formerly Invitae), Labcorp
Classification: Uncertain significance for Hereditary nonpolyposis colorectal neoplasms. Last evaluated: 2018-12-09. Review status: criteria provided, single submitter. Criteria: Invitae Variant Classification Sherloc (09022015). Collection method: clinical testing. Allele origin: germline.
Comment: In summary, the available evidence is currently insufficient to determine the role of this variant in disease. Therefore, it has been classified as a Variant of Uncertain Significance. Algorithms developed to predict the effect of missense changes on protein structure and function (SIFT, PolyPhen-2, Align-GVGD) all suggest that this variant is likely to be tolerated, but these predictions have not been confirmed by published functional studies and their clinical significance is uncertain. This variant has not been reported in the literature in individuals with MSH6-related conditions. This variant is not present in population databases (ExAC no frequency). This sequence change replaces threonine with serine at codon 305 of the MSH6 protein (p.Thr305Ser). The threonine residue is weakly conserved and there is a small physicochemical difference between threonine and serine.